The following is an entry in ClinVar:

ClinVar aggregate classification (germline): Conflicting classifications of pathogenicity. Review status: criteria provided, conflicting classifications (1 of 4 stars). 3 submissions from 3 submitters: Uncertain significance (2); Likely benign (1). Last evaluated 2026-02-23.

Conditions:
Inborn genetic diseases. Identifiers: MedGen C0950123, MeSH D030342.
Developmental and epileptic encephalopathy, 14 (DEE14). Also called: Early infantile epileptic encephalopathy 14. Identifiers: Orphanet 293181, MedGen C3554195, MONDO:0013989, OMIM 614959.
Autosomal dominant nocturnal frontal lobe epilepsy 5. Also called: CILIARY DYSKINESIA, PRIMARY, 28, WITHOUT SITUS INVERSUS; CILIARY DYSKINESIA, PRIMARY, 28, WITH SITUS INVERSUS; KCNT1-Related Epilepsy; Epilepsy, nocturnal frontal lobe, 5. Identifiers: Orphanet 98784, MedGen C3554306, MONDO:0014002, OMIM 615005.

Submissions (3):

Ambry Genetics
Classification: Likely benign for Inborn genetic diseases. Last evaluated: 2026-02-23. Review status: criteria provided, single submitter. Criteria: Ambry Variant Classification Scheme 2023. Collection method: clinical testing. Allele origin: germline.

Labcorp Genetics (formerly Invitae), Labcorp
Classification: Uncertain significance for Autosomal dominant nocturnal frontal lobe epilepsy 5; Developmental and epileptic encephalopathy, 14. Last evaluated: 2025-08-09. Review status: criteria provided, single submitter. Criteria: Invitae Variant Classification Sherloc (09022015). Collection method: clinical testing. Allele origin: germline.
Comment: This variant, c.3145_3147del, results in the deletion of 1 amino acid(s) of the KCNT1 protein (p.Ser1049del), but otherwise preserves the integrity of the reading frame. This variant is present in population databases (rs758292147, gnomAD 0.01%). This variant has not been reported in the literature in individuals affected with KCNT1-related conditions. ClinVar contains an entry for this variant (Variation ID: 965168). Experimental studies and prediction algorithms are not available or were not evaluated, and the functional significance of this variant is currently unknown. In summary, the available evidence is currently insufficient to determine the role of this variant in disease. Therefore, it has been classified as a Variant of Uncertain Significance.

CeGaT Center for Human Genetics Tuebingen
Classification: Uncertain significance. Last evaluated: 2025-01-01. Review status: criteria provided, single submitter. Criteria: CeGaT Center For Human Genetics Tuebingen Variant Classification Criteria Version 2. Collection method: clinical testing. Allele origin: germline. Affected: yes. Observed: 1 variant allele.
Comment: KCNT1: PM4:Supporting

Literature cited by the submitters: PubMed 28518168 (cited by Ambry Genetics); PubMed 32461654 (cited by Ambry Genetics).

NM_020822.3(KCNT1):c.3145_3147del (p.Ser1049del)

Gene: KCNT1 (potassium sodium-activated channel subfamily T member 1; plus strand). Cytogenetic location: 9q34.3.
Variant type: Deletion.
Coding change: c.3145_3147del on transcript NM_020822.3 (MANE Select); coding-DNA positions 3145 to 3147, 3 bases deleted (TCC; older notation c.3145_3147delTCC).
Protein change: p.Ser1049del; deletes serine 1049.
Molecular consequence: inframe deletion.
Genome position (GRCh38, 1-based): chr9:135,784,878-135,784,880, TCC deleted; deleting any 3 consecutive bases within chr9:135,784,877-135,784,880 gives the same sequence; the c. name uses the placement nearest the transcript's 3' end. VCF-style (leftmost placement, unchanged base first): chr9-135784876-TCTC-T. GRCh37 (hg19) VCF-style: chr9-138676722-TCTC-T.
Other names: c.3010_3012del, p.Ser1004del (NM_001272003.2); c.3145_3147delTCC (NM_020822.2); short protein forms S1049del, S1004del.
Identifiers: ClinVar variation 965168 (VCV000965168.23), dbSNP rs758292147, ClinGen allele CA5327624.